The following is an entry in ClinVar:

ClinVar aggregate classification (germline): Pathogenic. Review status: criteria provided, multiple submitters, no conflicts (2 of 4 stars). 2 submissions from 2 submitters: Pathogenic (2). Last evaluated 2025-02-16.

Conditions:
Inborn genetic diseases. Identifiers: MedGen C0950123, MeSH D030342.

Allele frequency attached by ClinVar (database versions not stated): ExAC 0.00001; gnomAD exomes 0.00001.
gnomAD v4.1: 14 of 1,613,946 alleles (0.00087%); highest among the groups gnomAD compares: East Asian, 0.0022%; no homozygotes.

Submissions (2):

Laboratory of Genetics, Children's Clinical University Hospital Latvia
Classification: Pathogenic. Last evaluated: 2025-02-16. Review status: criteria provided, single submitter. Criteria: ACMG Guidelines, 2015. Collection method: clinical testing. Allele origin: germline. Affected: yes.

Ambry Genetics
Classification: Pathogenic for Inborn genetic diseases. Last evaluated: 2021-01-06. Review status: criteria provided, single submitter. Criteria: Ambry Variant Classification Scheme 2023. Collection method: clinical testing. Allele origin: germline.
Comment: The c.373C>T (p.R125*) alteration, located in exon 3 (coding exon 3) of the MRPS22 gene, consists of a C to T substitution at nucleotide position 373. This alteration is expected to result in loss of function by premature protein truncation or nonsense-mediated mRNA decay. Based on the available evidence, this alteration is classified as pathogenic.

NM_020191.4(MRPS22):c.373C>T (p.Arg125Ter)

Gene: MRPS22 (mitochondrial ribosomal protein S22; plus strand). Cytogenetic location: 3q23.
Variant type: single nucleotide variant.
Coding change: c.373C>T on transcript NM_020191.4 (MANE Select); coding-DNA position 373, C replaced by T.
Protein change: p.Arg125Ter; replaces arginine 125 with a stop codon.
Molecular consequence: nonsense.
Genome position (GRCh38, 1-based): chr3:139,348,193, C>T. VCF-style: chr3-139348193-C-T. GRCh37 (hg19) VCF-style: chr3-139067035-C-T.
Other names: c.250C>T, p.Arg84Ter (NM_001363857.1); c.370C>T, p.Arg124Ter (NM_001363893.1); short protein forms R125*, R124*, R84*.
Identifiers: ClinVar variation 2228711 (VCV002228711.3), dbSNP rs780703525, ClinGen allele CA2640705.